The following is an entry in ClinVar:

ClinVar aggregate classification (germline): Pathogenic (1 of 4 stars; one submission).

Conditions:
Primary ciliary dyskinesia. Also called: Ciliary dyskinesia. Identifiers: Orphanet 244, MedGen C0008780, MONDO:0016575, HP:0012265.

Submission:

Labcorp Genetics (formerly Invitae), Labcorp
Classification: Pathogenic for Primary ciliary dyskinesia. Last evaluated: 2018-09-01. Review status: criteria provided, single submitter. Criteria: Invitae Variant Classification Sherloc (09022015). Collection method: clinical testing. Allele origin: germline.
Comment: This variant results in a copy number gain of the genomic region encompassing exons 1-50 of the DNAH5 gene. The duplicated copy of this region is in tandem (c.-239740_8448+1dup) and is expected to result in an absent or disrupted protein product. This copy number variant has not been reported in the literature in individuals with DNAH5-related disease. Loss-of-function variants in DNAH5 are known to be pathogenic (PMID: 11788826, 16627867). For these reasons, this variant has been classified as Pathogenic.

NC_000005.9:g.(?_13792093)_(13944557_?)dup

Genes: DNAH5 (dynein axonemal heavy chain 5; minus strand), DNAH5-AS1 (DNAH5 antisense RNA 1; plus strand), LOC126807318 (MED14-independent group 3 enhancer GRCh37_chr5:13858976-13860175; plus strand). Cytogenetic location: 5p15.2.
Variant type: Duplication.
Identifiers: ClinVar variation 662867 (VCV000662867.1).